The following is an entry in ClinVar:

NM_004168.4(SDHA):c.150+2dup

Gene: SDHA (succinate dehydrogenase complex flavoprotein subunit A; plus strand). Cytogenetic location: 5p15.33.
Variant type: Duplication.
Coding change: c.150+2dup on transcript NM_004168.4 (MANE Select); the canonical splice donor site of the intron after coding-DNA position 150, one base duplicated (T; older notation c.150+2dupT).
Molecular consequence: splice donor variant.
Genome position (GRCh38, 1-based): chr5:223,570, T duplicated. VCF-style (leftmost placement, unchanged base first): chr5-223569-G-GT. GRCh37 (hg19) VCF-style: chr5-223684-G-GT.
Other names: c.150+2dupT (NM_004168.3, NM_004168.2); c.150+2dup (NM_001330758.2, NM_001294332.2).
Identifiers: ClinVar variation 569050 (VCV000569050.8), dbSNP rs1560985349, ClinGen allele CA891842619.

ClinVar aggregate classification (germline): Uncertain significance. Review status: criteria provided, multiple submitters, no conflicts (2 of 4 stars). 2 submissions from 2 submitters: Uncertain significance (2). Last evaluated 2026-09-04.

Conditions:
Mitochondrial complex II deficiency, nuclear type 1. Also called: SUCCINATE CoQ REDUCTASE DEFICIENCY. Identifiers: Orphanet 3208, MedGen C5700310, MONDO:0100294, OMIM 252011.
Pheochromocytoma/paraganglioma syndrome 5. Also called: SDHA-Related Hereditary Paraganglioma-Pheochromocytoma Syndrome; Paragangliomas 5. Identifiers: Orphanet 29072, MedGen C3279992, MONDO:0013602, OMIM 614165.
Hereditary cancer-predisposing syndrome. Also called: Hereditary Cancer Syndrome; Tumor predisposition; Hereditary neoplastic syndrome; Neoplastic Syndromes, Hereditary. Identifiers: Orphanet 140162, MedGen C0027672, MeSH D009386, MONDO:0015356.

Submissions (2):

Ambry Genetics
Classification: Uncertain significance for Hereditary cancer-predisposing syndrome. Last evaluated: 2026-09-04. Review status: criteria provided, single submitter. Criteria: Ambry Variant Classification Scheme 2023. Collection method: clinical testing. Allele origin: germline.
Comment: The c.150+2dupT intronic variant is located 2 nucleotides after coding exon 2 of the SDHA gene. This variant results from a duplication of one nucleotide at position c.150+2. This nucleotide region is well conserved in available vertebrate species. In silico splice site analysis predicts that this alteration will weaken the native splice donor site; however, direct evidence is insufficient at this time (Ambry internal data). Based on the available evidence, the clinical significance of this variant remains unclear.

Labcorp Genetics (formerly Invitae), Labcorp
Classification: Uncertain significance for Pheochromocytoma/paraganglioma syndrome 5; Mitochondrial complex II deficiency, nuclear type 1. Last evaluated: 2019-10-31. Review status: criteria provided, single submitter. Criteria: Invitae Variant Classification Sherloc (09022015). Collection method: clinical testing. Allele origin: germline.
Comment: This variant is not present in population databases (ExAC no frequency). This sequence change falls in intron 2 of the SDHA gene. It does not directly change the encoded amino acid sequence of the SDHA protein, but it affects a nucleotide within the consensus splice site of the intron. This variant has not been reported in the literature in individuals with SDHA-related disease. In summary, the available evidence is currently insufficient to determine the role of this variant in disease. Therefore, it has been classified as a Variant of Uncertain Significance. Nucleotide substitutions within the consensus splice site are a relatively common cause of aberrant splicing (PMID: 17576681, 9536098). Algorithms developed to predict the effect of sequence changes on RNA splicing suggest that this variant may disrupt the consensus splice site, but this prediction has not been confirmed by published transcriptional studies.

Literature cited by the submitters: PubMed 17576681 (cited by Labcorp Genetics (formerly Invitae), Labcorp); PubMed 9536098 (cited by Labcorp Genetics (formerly Invitae), Labcorp).